The following is an entry in ClinVar:

NM_002474.3(MYH11):c.3841A>G (p.Lys1281Glu)

Gene: MYH11 (myosin heavy chain 11; minus strand). Cytogenetic location: 16p13.11.
Variant type: single nucleotide variant.
Coding change: c.3841A>G on transcript NM_002474.3 (MANE Select); coding-DNA position 3841, A replaced by G.
Protein change: p.Lys1281Glu; replaces lysine 1281 with glutamic acid.
Molecular consequence: missense variant.
Genome position (GRCh38, 1-based): chr16:15,726,865, T>C on the plus strand (A>G on the coding strand, the complement: MYH11 is on the minus strand). VCF-style: chr16-15726865-T-C. GRCh37 (hg19) VCF-style: chr16-15820722-T-C.
Other names: c.3862A>G, p.Lys1288Glu (NM_001040113.2, NM_001040114.2); c.3841A>G, p.Lys1281Glu (NM_022844.3); c.3841A>G (NM_002474.2); short protein forms K1281E, K1288E.
Identifiers: ClinVar variation 2420334 (VCV002420334.8), dbSNP rs766780039, ClinGen allele CA7921875.

ClinVar aggregate classification (germline): Uncertain significance. Review status: criteria provided, multiple submitters, no conflicts (2 of 4 stars). 3 submissions from 3 submitters: Uncertain significance (3). Last evaluated 2025-06-01.

Conditions:
Familial thoracic aortic aneurysm and aortic dissection (TAAD). Also called: Thoracic aortic aneurysms and dissections. Identifiers: Orphanet 91387, MedGen C4707243, MONDO:0019625.
Aortic aneurysm, familial thoracic 4 (AAT4). Also called: AORTIC ANEURYSM/AORTIC DISSECTION AND PATENT DUCTUS ARTERIOSUS. Identifiers: MedGen C1851504, MONDO:0007568, OMIM 132900.

Allele frequency attached by ClinVar (database versions not stated): gnomAD exomes below 0.00001; ExAC 0.00001.
gnomAD v4.1: 2 of 1,612,134 alleles (0.00012%); highest among the groups gnomAD compares: Admixed American, 0.0017%; no homozygotes.

Submissions (3):

Ambry Genetics
Classification: Uncertain significance for Familial thoracic aortic aneurysm and aortic dissection. Last evaluated: 2025-06-01. Review status: criteria provided, single submitter. Criteria: Ambry Variant Classification Scheme 2023. Collection method: clinical testing. Allele origin: germline.
Comment: The p.K1281E variant (also known as c.3841A>G), located in coding exon 27 of the MYH11 gene, results from an A to G substitution at nucleotide position 3841. The lysine at codon 1281 is replaced by glutamic acid, an amino acid with similar properties. This amino acid position is conserved. In addition, this alteration is predicted to be tolerated by in silico analysis. Based on the available evidence, the clinical significance of this variant remains unclear.

All of Us Research Program, National Institutes of Health
Classification: Uncertain significance for Familial thoracic aortic aneurysm and aortic dissection. Last evaluated: 2024-03-14. Review status: criteria provided, single submitter. Criteria: ACMG Guidelines, 2015. Collection method: clinical testing. Allele origin: germline. Inheritance: Autosomal dominant inheritance. Observed: 3 variant alleles, 3 heterozygotes.
Comment: This missense variant replaces lysine with glutamic acid at codon 1288 of the MYH11 protein. Computational prediction is inconclusive regarding the impact of this variant on protein structure and function (internally defined REVEL score threshold 0.5 < inconclusive < 0.7, PMID: 27666373). To our knowledge, functional studies have not been reported for this variant. This variant has not been reported in individuals affected with MYH11-related disorders in the literature. This variant has been identified in 1/249908 chromosomes in the general population by the Genome Aggregation Database (gnomAD). The available evidence is insufficient to determine the role of this variant in disease conclusively. Therefore, this variant is classified as a Variant of Uncertain Significance.

This study involves interpretation of variants in research participants for the purpose of population health screening. Participant phenotype was not available at the time of variant classification. Additional details can be found in publication PMID: 35346344, PMCID: PMC8962531

Labcorp Genetics (formerly Invitae), Labcorp
Classification: Uncertain significance for Aortic aneurysm, familial thoracic 4. Last evaluated: 2022-05-08. Review status: criteria provided, single submitter. Criteria: Invitae Variant Classification Sherloc (09022015). Collection method: clinical testing. Allele origin: germline.
Comment: This variant has not been reported in the literature in individuals affected with MYH11-related conditions. This sequence change replaces lysine, which is basic and polar, with glutamic acid, which is acidic and polar, at codon 1288 of the MYH11 protein (p.Lys1288Glu). This variant is present in population databases (rs766780039, gnomAD 0.003%). Algorithms developed to predict the effect of missense changes on protein structure and function (SIFT, PolyPhen-2, Align-GVGD) all suggest that this variant is likely to be tolerated. In summary, the available evidence is currently insufficient to determine the role of this variant in disease. Therefore, it has been classified as a Variant of Uncertain Significance.